The following is an entry in ClinVar:

ClinVar aggregate classification (germline): Uncertain significance (0 of 4 stars; one submission).

Conditions:
PCNT-related disorder. Also called: PCNT-related condition.

gnomAD v4.1: 1 of 1,600,052 alleles (0.000062%); highest among the groups gnomAD compares: Non-Finnish European, 0.000085%; no homozygotes.

Submission:

PreventionGenetics, part of Exact Sciences
Classification: Uncertain significance for PCNT-related condition. Last evaluated: 2024-09-12. Review status: no assertion criteria provided. Collection method: clinical testing. Allele origin: germline.
Comment: The PCNT c.761T>G variant is predicted to result in the amino acid substitution p.Leu254Arg. To our knowledge, this variant has not been reported in the literature or in a large population database, indicating this variant is rare. At this time, the clinical significance of this variant is uncertain due to the absence of conclusive functional and genetic evidence.

NM_006031.6(PCNT):c.761T>G (p.Leu254Arg)

Gene: PCNT (pericentrin; plus strand). Cytogenetic location: 21q22.3.
Variant type: single nucleotide variant.
Coding change: c.761T>G on transcript NM_006031.6 (MANE Select); coding-DNA position 761, T replaced by G.
Protein change: p.Leu254Arg; replaces leucine 254 with arginine.
Molecular consequence: missense variant.
Genome position (GRCh38, 1-based): chr21:46,346,783, T>G. VCF-style: chr21-46346783-T-G. GRCh37 (hg19) VCF-style: chr21-47766697-T-G.
Other names: c.407T>G, p.Leu136Arg (NM_001315529.2); short protein forms L136R, L254R.
Identifiers: ClinVar variation 3349093 (VCV003349093.1).